The following is an entry in ClinVar:

NM_152564.5(VPS13B):c.3271A>G (p.Ile1091Val)

Gene: VPS13B (vacuolar protein sorting 13 homolog B; plus strand). Cytogenetic location: 8q22.2.
Variant type: single nucleotide variant.
Coding change: c.3271A>G on transcript NM_152564.5 (MANE Select); coding-DNA position 3271, A replaced by G.
Protein change: p.Ile1091Val; replaces isoleucine 1091 with valine.
Molecular consequence: missense variant.
Genome position (GRCh38, 1-based): chr8:99,442,461, A>G. VCF-style: chr8-99442461-A-G. GRCh37 (hg19) VCF-style: chr8-100454689-A-G.
Other names: c.3271A>G, p.Ile1091Val (NM_017890.5); c.3271A>G (NM_017890.3, NM_152564.4); short protein forms I1091V.
Identifiers: ClinVar variation 1494422 (VCV001494422.7), dbSNP rs780930460, ClinGen allele CA4823215.

ClinVar aggregate classification (germline): Uncertain significance. Review status: criteria provided, multiple submitters, no conflicts (2 of 4 stars). 3 submissions from 3 submitters: Uncertain significance (2). 1 of the submissions does not count toward it. Last evaluated 2022-11-01.

Conditions:
Inborn genetic diseases. Identifiers: MedGen C0950123, MeSH D030342.
Cohen syndrome (COH1). Also called: PEPPER SYNDROME; Cutis verticis gyrata, retinitis pigmentosa, and sensorineural deafness. Identifiers: Orphanet 193, MedGen C0265223, MONDO:0008999, OMIM 216550.
VPS13B-related disorder. Also called: VPS13B-related condition.

Allele frequency attached by ClinVar (database versions not stated): gnomAD 0.00001; gnomAD exomes 0.00001 and 0.00002; ExAC 0.00002; TOPMed 0.00002.
gnomAD v4.1: 12 of 1,613,788 alleles (0.00074%); highest among the groups gnomAD compares: Admixed American, 0.005%; no homozygotes.

Submissions (3):

Labcorp Genetics (formerly Invitae), Labcorp
Classification: Uncertain significance for Cohen syndrome. Last evaluated: 2022-11-01. Review status: criteria provided, single submitter. Criteria: Invitae Variant Classification Sherloc (09022015). Collection method: clinical testing. Allele origin: germline.
Comment: This sequence change replaces isoleucine, which is neutral and non-polar, with valine, which is neutral and non-polar, at codon 1091 of the VPS13B protein (p.Ile1091Val). This variant is present in population databases (rs780930460, gnomAD 0.009%). This variant has not been reported in the literature in individuals affected with VPS13B-related conditions. ClinVar contains an entry for this variant (Variation ID: 1494422). Advanced modeling of protein sequence and biophysical properties (such as structural, functional, and spatial information, amino acid conservation, physicochemical variation, residue mobility, and thermodynamic stability) performed at Invitae indicates that this missense variant is expected to disrupt VPS13B protein function. In summary, the available evidence is currently insufficient to determine the role of this variant in disease. Therefore, it has been classified as a Variant of Uncertain Significance.

Ambry Genetics
Classification: Uncertain significance for Inborn genetic diseases. Last evaluated: 2021-09-17. Review status: criteria provided, single submitter. Criteria: Ambry Variant Classification Scheme 2023. Collection method: clinical testing. Allele origin: germline.

PreventionGenetics, part of Exact Sciences
Classification: Uncertain significance for VPS13B-related condition. Last evaluated: 2024-06-27. Review status: no assertion criteria provided. Collection method: clinical testing. Allele origin: germline. Not counted in ClinVar's aggregate classification.
Comment: The VPS13B c.3271A>G variant is predicted to result in the amino acid substitution p.Ile1091Val. To our knowledge, this variant has not been reported in the literature. This variant is reported in 0.0085% of alleles in individuals of Latino descent in gnomAD. At this time, the clinical significance of this variant is uncertain due to the absence of conclusive functional and genetic evidence.